The following is an entry in ClinVar:

NM_005120.3(MED12):c.1574T>C (p.Val525Ala)

Genes: MED12 (mediator complex subunit 12; plus strand), LOC126863275 (BRD4-independent group 4 enhancer GRCh37_chrX:70342400-70343599; plus strand). Cytogenetic location: Xq13.1.
Variant type: single nucleotide variant.
Coding change: c.1574T>C on transcript NM_005120.3 (MANE Select); coding-DNA position 1574, T replaced by C.
Protein change: p.Val525Ala; replaces valine 525 with alanine.
Molecular consequence: missense variant.
Genome position (GRCh38, 1-based): chrX:71,123,183, T>C. VCF-style: chrX-71123183-T-C. GRCh37 (hg19) VCF-style: chrX-70343033-T-C.
Other names: short protein forms V525A.
Identifiers: ClinVar variation 4859834 (VCV004859834.1).

ClinVar aggregate classification (germline): Uncertain significance (1 of 4 stars; one submission).

Conditions:
Familial thoracic aortic aneurysm and aortic dissection (TAAD). Also called: Thoracic aortic aneurysms and dissections. Identifiers: Orphanet 91387, MedGen C4707243, MONDO:0019625.

Submission:

Ambry Genetics
Classification: Uncertain significance for Familial thoracic aortic aneurysm and aortic dissection. Last evaluated: 2026-04-20. Review status: criteria provided, single submitter. Criteria: Ambry Variant Classification Scheme 2023. Collection method: clinical testing. Allele origin: germline.
Comment: The p.V525A variant (also known as c.1574T>C), located in coding exon 11 of the MED12 gene, results from a T to C substitution at nucleotide position 1574. The valine at codon 525 is replaced by alanine, an amino acid with similar properties. This amino acid position is conserved. In addition, the in silico prediction for this alteration is inconclusive. Based on the available evidence, the clinical significance of this variant remains unclear.